The following is an entry in ClinVar:

NM_005633.4(SOS1):c.3526T>G (p.Leu1176Val)

Gene: SOS1 (SOS Ras/Rac guanine nucleotide exchange factor 1; minus strand). Cytogenetic location: 2p22.1.
Variant type: single nucleotide variant.
Coding change: c.3526T>G on transcript NM_005633.4 (MANE Select); coding-DNA position 3526, T replaced by G.
Protein change: p.Leu1176Val; replaces leucine 1176 with valine.
Molecular consequence: missense variant.
Genome position (GRCh38, 1-based): chr2:38,986,300, A>C on the plus strand (T>G on the coding strand, the complement: SOS1 is on the minus strand). VCF-style: chr2-38986300-A-C. GRCh37 (hg19) VCF-style: chr2-39213441-A-C.
Other names: c.3505T>G, p.Leu1169Val (NM_001382394.1); c.3481T>G, p.Leu1161Val (NM_001382395.1); short protein forms L1161V, L1169V, L1176V.
Identifiers: ClinVar variation 1503452 (VCV001503452.8), dbSNP rs771115389, ClinGen allele CA346362959.

ClinVar aggregate classification (germline): Uncertain significance (1 of 4 stars; one submission).

Conditions:
RASopathy. Also called: Noonan spectrum disorder; rasopathies. Identifiers: Orphanet 536391, MedGen C5555857, MONDO:0021060.

Submission:

Labcorp Genetics (formerly Invitae), Labcorp
Classification: Uncertain significance for RASopathy. Last evaluated: 2021-07-04. Review status: criteria provided, single submitter. Criteria: Invitae Variant Classification Sherloc (09022015). Collection method: clinical testing. Allele origin: germline.
Comment: In summary, the available evidence is currently insufficient to determine the role of this variant in disease. Therefore, it has been classified as a Variant of Uncertain Significance. Algorithms developed to predict the effect of missense changes on protein structure and function (SIFT, PolyPhen-2, Align-GVGD) all suggest that this variant is likely to be tolerated. This variant has not been reported in the literature in individuals affected with SOS1-related conditions. This variant is not present in population databases (ExAC no frequency). This sequence change replaces leucine with valine at codon 1176 of the SOS1 protein (p.Leu1176Val). The leucine residue is moderately conserved and there is a small physicochemical difference between leucine and valine.